The following is an entry in ClinVar:

NM_152703.5(SAMD9L):c.4417A>G (p.Ser1473Gly)

Gene: SAMD9L (sterile alpha motif domain containing 9 like; minus strand). Cytogenetic location: 7q21.2.
Variant type: single nucleotide variant.
Coding change: c.4417A>G on transcript NM_152703.5 (MANE Select); coding-DNA position 4417, A replaced by G.
Protein change: p.Ser1473Gly; replaces serine 1473 with glycine.
Molecular consequence: missense variant.
Genome position (GRCh38, 1-based): chr7:93,131,555, T>C on the plus strand (A>G on the coding strand, the complement: SAMD9L is on the minus strand). VCF-style: chr7-93131555-T-C. GRCh37 (hg19) VCF-style: chr7-92760868-T-C.
Other names: c.4417A>G, p.Ser1473Gly (NM_001303496.3, NM_001303497.3, NM_001303498.3 and 5 more transcripts); short protein forms S1473G.
Identifiers: ClinVar variation 4744680 (VCV004744680.1).
Genomic context (GRCh38, chr7:93,131,555, plus strand): 5'-TTTTGGCCTTGTGAACAATACTGTTTAGACCCTTCCTTTTGCCCAGATAGAAAAGTGTGC[T>C]TGCCTGCTTGGACCTGCACATGCGCTTGTACTGTCCCCTGAAGGATCTATTTAAGGATGA-3'
Protein context (NP_689916.2, residues 1463-1483): YKRMCRSKQA[Ser1473Gly]TLFYLGKRKG

ClinVar aggregate classification (germline): Uncertain significance (1 of 4 stars; one submission).

Submission:

Labcorp Genetics (formerly Invitae), Labcorp
Classification: Uncertain significance. Last evaluated: 2026-01-12. Review status: criteria provided, single submitter. Criteria: Invitae Variant Classification Sherloc (09022015). Collection method: clinical testing. Allele origin: germline.
Comment: This sequence change replaces serine, which is neutral and polar, with glycine, which is neutral and non-polar, at codon 1473 of the SAMD9L protein (p.Ser1473Gly). This variant is not present in population databases (gnomAD no frequency). This variant has not been reported in the literature in individuals affected with SAMD9L-related conditions. Invitae Evidence Modeling of protein sequence and biophysical properties (such as structural, functional, and spatial information, amino acid conservation, physicochemical variation, residue mobility, and thermodynamic stability) indicates that this missense variant is not expected to disrupt SAMD9L protein function with a negative predictive value of 80%. This variant disrupts the p.Ser1473 amino acid residue in SAMD9L. Other variant(s) that disrupt this residue have been determined to be pathogenic (PMID: 30923096, 32098966, 34621053). This suggests that this residue is clinically significant, and that variants that disrupt this residue are likely to be disease-causing. In summary, the available evidence is currently insufficient to determine the role of this variant in disease. Therefore, it has been classified as a Variant of Uncertain Significance.

Literature cited by the submitters: PubMed 30923096; PubMed 32098966; PubMed 34621053.